The following is an entry in ClinVar:

GRCh38/hg38 4p16.3(chr4:1330963-1370226)x1

Genes: MAEA (macrophage erythroblast attacher, E3 ubiquitin ligase; plus strand), UVSSA (UV stimulated scaffold protein A; plus strand), LOC129991990 (ATAC-STARR-seq lymphoblastoid silent region 15128; plus strand), LOC129991991 (ATAC-STARR-seq lymphoblastoid silent region 15129; plus strand), LOC129991992 (ATAC-STARR-seq lymphoblastoid silent region 15130; plus strand) and 1 more. Cytogenetic location: 4p16.3.
Variant type: copy number loss.
Change: copy number 1 (one copy instead of two) of chr4:1,330,963-1,370,226 (39.3 kb, GRCh38 coordinates, 1-based), cytogenetic band 4p16.3.
Identifiers: ClinVar variation 155266 (VCV000155266.2).

ClinVar aggregate classification (germline): Uncertain significance (0 of 4 stars; one submission).

Submission:

ISCA site 1
Classification: Uncertain significance. Last evaluated: 2011-08-02. Review status: no assertion criteria provided. Collection method: clinical testing. Allele origin: unknown. Affected: yes. Observed: 1 variant allele.
Comment: Copy number variation identified through the course of routine clinical cytogenomic testing in postnatal populations. Clinical assertions have been curated as described in Kaminsky et al. 2011.

Copy number variation identified through the course of routine clinical cytogenomic testing in postnatal populations. Clinical assertions have been curated as described in Kaminsky, et al. 2011 (PubMed 21844811). For additional ClinGen data, please see nstd37.